The following is an entry in ClinVar:

ClinVar aggregate classification (germline): Pathogenic (3 of 4 stars; one submission).

Conditions:
Lynch syndrome. Identifiers: Orphanet 144, MedGen C4552100, MONDO:0005835. Disease mechanism: loss of function.

Submission:

International Society for Gastrointestinal Hereditary Tumours (InSiGHT)
Classification: Pathogenic for Lynch Syndrome. Last evaluated: 2013-09-05. Review status: reviewed by expert panel. Criteria: Guidelines v1.9. Collection method: research. Allele origin: germline.
Comment: Large deletion

Classified with v1.9 guidelines

NM_000535.5(PMS2):c.(?_-87)_1144+?del

Genes: PMS2 (PMS1 homolog 2, mismatch repair system component; minus strand), LOC129997916 (ATAC-STARR-seq lymphoblastoid active region 25614; plus strand). Cytogenetic location: 7p22.1.
Variant type: Deletion.
Other names: c.(?_-87)_1144+?del (LRG_161t1).
Identifiers: ClinVar variation 91275 (VCV000091275.2).